The following is an entry in ClinVar:

NM_001193315.2(VIPAS39):c.836+15A>G

Gene: VIPAS39 (VPS33B interacting protein, apical-basolateral polarity regulator, spe-39 homolog; minus strand). Cytogenetic location: 14q24.3.
Variant type: single nucleotide variant.
Coding change: c.836+15A>G on transcript NM_001193315.2 (MANE Select); 15 bases into the intron after coding-DNA position 836, A replaced by G.
Molecular consequence: intron variant.
Genome position (GRCh38, 1-based): chr14:77,437,793, T>C on the plus strand (A>G on the coding strand, the complement: VIPAS39 is on the minus strand). VCF-style: chr14-77437793-T-C. GRCh37 (hg19) VCF-style: chr14-77904136-T-C.
Other names: p.?; c.689+15A>G (NM_001193316.2); c.836+15A>G (NM_022067.4, NM_001193317.2, NM_001193314.2).
Identifiers: ClinVar variation 261492 (VCV000261492.13), dbSNP rs142958086, ClinGen allele CA7287947.
Genomic context (GRCh38, chr14:77,437,793, plus strand): 5'-CCACCCTTTTTAATTTTCTTCATTCCTTCTGGGTAAAGGTATTTATACTTAAAATCATTT[T>C]TCCCCCATACTTACCCAACACAGGTTTTAAGAAATTCTTTTCGTTTGTCAGGGTCCTGAA-3'

ClinVar aggregate classification (germline): Benign/Likely benign. Review status: criteria provided, multiple submitters, no conflicts (2 of 4 stars). 5 submissions from 5 submitters: Benign (3); Likely benign (2). Last evaluated 2026-02-01.

Allele frequency attached by ClinVar (database versions not stated): gnomAD 0.00739 and 0.00879; ESP Exome Variant Server 0.00761; TOPMed 0.00800; gnomAD exomes 0.00829 and 0.01141; ExAC 0.01189; 1000 Genomes Project 30x 0.01483; 1000 Genomes Project 0.01558.
gnomAD v4.1: 13,696 of 1,612,554 alleles (0.85%); highest among the groups gnomAD compares: South Asian, 3.8%; 160 homozygotes.

Submissions (5):

Labcorp Genetics (formerly Invitae), Labcorp
Classification: Benign. Last evaluated: 2026-02-01. Review status: criteria provided, single submitter. Criteria: Invitae Variant Classification Sherloc (09022015). Collection method: clinical testing. Allele origin: germline.

Mayo Clinic Laboratories, Mayo Clinic
Classification: Benign. Last evaluated: 2021-09-07. Review status: criteria provided, single submitter. Criteria: ACMG Guidelines, 2015. Collection method: clinical testing. Allele origin: germline. Observed: 9 variant alleles.
Comment: BS1, BP4

GeneDx
Classification: Likely benign. Last evaluated: 2019-12-10. Review status: criteria provided, single submitter. Criteria: GeneDx Variant Classification Process June 2021. Collection method: clinical testing. Allele origin: germline. Affected: yes.

Breakthrough Genomics
Classification: Likely benign. Review status: criteria provided, single submitter. Criteria: ACMG Guidelines, 2015. Collection method: not provided. Allele origin: germline. Inheritance: Autosomal recessive inheritance. Affected: yes.

PreventionGenetics, part of Exact Sciences
Classification: Benign. Review status: criteria provided, single submitter. Criteria: ACMG Guidelines, 2015. Collection method: clinical testing. Allele origin: germline.